The following is an entry in ClinVar:

ClinVar aggregate classification (germline): Uncertain significance (1 of 4 stars; one submission).

Conditions:
Charcot-Marie-Tooth disease dominant intermediate B (CMTDIB). Also called: CHARCOT-MARIE-TOOTH NEUROPATHY, DOMINANT INTERMEDIATE B; Charcot-Marie-Tooth disease dominant intermediate 1; CMT DI1; Charcot-Marie-Tooth disease dominant intermediate I. Identifiers: Orphanet 100044, Orphanet 228179, MedGen C1847902, MONDO:0011674, OMIM 606482.

gnomAD v4.1: 1 of 1,523,680 alleles (0.000066%); highest among the groups gnomAD compares: Non-Finnish European, 0.000088%; no homozygotes.

Submission:

Labcorp Genetics (formerly Invitae), Labcorp
Classification: Uncertain significance for Charcot-Marie-Tooth disease dominant intermediate B. Last evaluated: 2025-02-27. Review status: criteria provided, single submitter. Criteria: Invitae Variant Classification Sherloc (09022015). Collection method: clinical testing. Allele origin: germline.
Comment: This sequence change replaces alanine, which is neutral and non-polar, with valine, which is neutral and non-polar, at codon 35 of the DNM2 protein (p.Ala35Val). This variant is not present in population databases (gnomAD no frequency). This variant has not been reported in the literature in individuals affected with DNM2-related conditions. Invitae Evidence Modeling of protein sequence and biophysical properties (such as structural, functional, and spatial information, amino acid conservation, physicochemical variation, residue mobility, and thermodynamic stability) has been performed for this missense variant. However, the output from this modeling did not meet the statistical confidence thresholds required to predict the impact of this variant on DNM2 protein function. In summary, the available evidence is currently insufficient to determine the role of this variant in disease. Therefore, it has been classified as a Variant of Uncertain Significance.

NM_001005361.3(DNM2):c.104C>T (p.Ala35Val)

Genes: DNM2 (dynamin 2; plus strand), LOC130063529 (ATAC-STARR-seq lymphoblastoid silent region 10090; plus strand). Cytogenetic location: 19p13.2.
Variant type: single nucleotide variant.
Coding change: c.104C>T on transcript NM_001005361.3 (MANE Select); coding-DNA position 104, C replaced by T.
Protein change: p.Ala35Val; replaces alanine 35 with valine.
Molecular consequence: missense variant.
Genome position (GRCh38, 1-based): chr19:10,718,346, C>T. VCF-style: chr19-10718346-C-T. GRCh37 (hg19) VCF-style: chr19-10829022-C-T.
Other names: c.104C>T, p.Ala35Val (NM_001005360.3, NM_001005362.3, NM_001190716.2 and 1 more transcripts); short protein forms A35V.
Identifiers: ClinVar variation 3623664 (VCV003623664.2).